The following is an entry in ClinVar:

ClinVar aggregate classification (germline): Conflicting classifications of pathogenicity. Review status: criteria provided, conflicting classifications (1 of 4 stars). 4 submissions from 4 submitters: Likely pathogenic (3); Uncertain significance (1). Last evaluated 2026-08-25.

Conditions:
Joubert syndrome 23 (JBTS23). Identifiers: Orphanet 475, MedGen C4084822, MONDO:0014664, OMIM 616490.
Short-rib thoracic dysplasia 14 with polydactyly (SRTD14). Identifiers: Orphanet 397715, MedGen C4225286, MONDO:0014688, OMIM 616546.

Allele frequency attached by ClinVar (database versions not stated): gnomAD exomes 0.00002; TOPMed below 0.00001.
gnomAD v4.1: 6 of 1,535,672 alleles (0.00039%); highest among the groups gnomAD compares: Admixed American, 0.0059%; no homozygotes.

Submissions (4):

GeneDx
Classification: Likely pathogenic. Last evaluated: 2026-08-25. Review status: criteria provided, single submitter. Criteria: GeneDx Variant Classification Process June 2021. Collection method: clinical testing. Allele origin: germline.
Comment: Canonical splice site variant predicted to result in a null allele in a gene for which loss of function is a known mechanism of disease; Not observed at significant frequency in large population cohorts (gnomAD); Has not been previously published in association with a KIAA0586-related disorder to our knowledge; This variant is associated with the following publications: (PMID: 36651276)

Labcorp Genetics (formerly Invitae), Labcorp
Classification: Uncertain significance for Joubert syndrome 23; Short-rib thoracic dysplasia 14 with polydactyly. Last evaluated: 2022-11-01. Review status: criteria provided, single submitter. Criteria: Invitae Variant Classification Sherloc (09022015). Collection method: clinical testing. Allele origin: germline.
Comment: In summary, the available evidence is currently insufficient to determine the role of this variant in disease. Therefore, it has been classified as a Variant of Uncertain Significance. Algorithms developed to predict the effect of sequence changes on RNA splicing suggest that this variant may disrupt the consensus splice site. ClinVar contains an entry for this variant (Variation ID: 992350). This variant has not been reported in the literature in individuals affected with KIAA0586-related conditions. This variant is present in population databases (no rsID available, gnomAD 0.008%). This sequence change affects a donor splice site in intron 1 of the KIAA0586 gene. However, it is currently unclear if variants that occur in this region of the gene cause disease.

Greenwood Genetic Center Diagnostic Laboratories, Greenwood Genetic Center
Classification: Likely pathogenic. Last evaluated: 2020-10-01. Review status: criteria provided, single submitter. Criteria: ACMG Guidelines, 2015. Collection method: clinical testing. Allele origin: germline. Affected: yes.

Revvity Omics, Revvity
Classification: Likely pathogenic. Last evaluated: 2020-05-18. Review status: criteria provided, single submitter. Criteria: ACMG Guidelines, 2015. Collection method: clinical testing. Allele origin: germline.

NM_001244189.2(KIAA0586):c.9+1G>A

Gene: KIAA0586 (KIAA0586; plus strand). Cytogenetic location: 14q23.1.
Variant type: single nucleotide variant.
Coding change: c.9+1G>A on transcript NM_001244189.2; the canonical splice donor site of the intron after coding-DNA position 9, G replaced by A.
Molecular consequence: splice donor variant.
Genome position (GRCh38, 1-based): chr14:58,427,638, G>A. VCF-style: chr14-58427638-G-A. GRCh37 (hg19) VCF-style: chr14-58894356-G-A.
Other names: c.-39+1G>A (NM_001244190.2); c.-57+1G>A (NM_001244192.2, NM_001244191.2).
Identifiers: ClinVar variation 992350 (VCV000992350.14), dbSNP rs1490434047, ClinGen allele CA389858843.